The following is an entry in ClinVar:

NM_021969.3(NR0B2):c.257G>A (p.Arg86Gln)

Genes: NR0B2 (nuclear receptor subfamily 0 group B member 2; minus strand), NUDC (nuclear distribution C, dynein complex regulator; plus strand). Cytogenetic location: 1p36.11.
Variant type: single nucleotide variant.
Coding change: c.257G>A on transcript NM_021969.3 (MANE Select); coding-DNA position 257, G replaced by A.
Protein change: p.Arg86Gln; replaces arginine 86 with glutamine.
Molecular consequence: missense variant.
Genome position (GRCh38, 1-based): chr1:26,913,684, C>T on the plus strand (G>A on the coding strand, the complement: NR0B2 is on the minus strand). VCF-style: chr1-26913684-C-T. GRCh37 (hg19) VCF-style: chr1-27240175-C-T.
Other names: short protein forms R86Q.
Identifiers: ClinVar variation 2632413 (VCV002632413.1), dbSNP rs370959977, ClinGen allele CA709688.

ClinVar aggregate classification (germline): Uncertain significance (1 of 4 stars; one submission).

Conditions:
NR0B2-related disorder. Also called: NR0B2-related condition.

Allele frequency attached by ClinVar (database versions not stated): TOPMed 0.00002; gnomAD 0.00003; ESP Exome Variant Server 0.00008; 1000 Genomes Project 30x 0.00031; 1000 Genomes Project 0.00040.
gnomAD v4.1: 22 of 1,612,838 alleles (0.0014%); highest among the groups gnomAD compares: South Asian, 0.0077%; no homozygotes.

Submission:

PreventionGenetics, part of Exact Sciences
Classification: Uncertain significance for NR0B2-related condition. Last evaluated: 2022-12-16. Review status: criteria provided, single submitter. Criteria: ACMG Guidelines, 2015. Collection method: clinical testing. Allele origin: germline.
Comment: The NR0B2 c.257G>A variant is predicted to result in the amino acid substitution p.Arg86Gln. To our knowledge, this variant has not been reported in the literature. This variant is reported in 0.020% of alleles in individuals of South Asian descent in gnomAD. At this time, the clinical significance of this variant is uncertain due to the absence of conclusive functional and genetic evidence.